The following is an entry in ClinVar:

ClinVar aggregate classification (germline): Uncertain significance. Review status: criteria provided, multiple submitters, no conflicts (2 of 4 stars). 2 submissions from 2 submitters: Uncertain significance (2). Last evaluated 2024-08-28.

Conditions:
Inborn genetic diseases. Identifiers: MedGen C0950123, MeSH D030342.

Allele frequency attached by ClinVar (database versions not stated): gnomAD 0.00001; gnomAD exomes 0.00002 and 0.00006; TOPMed 0.00002.
gnomAD v4.1: 84 of 1,613,892 alleles (0.0052%); highest among the groups gnomAD compares: Non-Finnish European, 0.0063%; no homozygotes.

Submissions (2):

Ambry Genetics
Classification: Uncertain significance for Inborn genetic diseases. Last evaluated: 2024-08-28. Review status: criteria provided, single submitter. Criteria: Ambry Variant Classification Scheme 2023. Collection method: clinical testing. Allele origin: germline.

GeneDx
Classification: Uncertain significance. Last evaluated: 2020-02-01. Review status: criteria provided, single submitter. Criteria: GeneDx Variant Classification Process June 2021. Collection method: clinical testing. Allele origin: germline. Affected: yes.
Comment: Not observed at a significant frequency in large population cohorts (Lek et al., 2016); In silico analysis supports that this missense variant has a deleterious effect on protein structure/function; Has not been previously published as pathogenic or benign to our knowledge

NM_000290.4(PGAM2):c.308C>T (p.Thr103Met)

Genes: DBNL (drebrin like; plus strand), PGAM2 (phosphoglycerate mutase 2; minus strand). Cytogenetic location: 7p13.
Variant type: single nucleotide variant.
Coding change: c.308C>T on transcript NM_000290.4 (MANE Select); coding-DNA position 308, C replaced by T.
Protein change: p.Thr103Met; replaces threonine 103 with methionine.
Molecular consequence: missense variant. On other transcripts: 3 prime UTR variant (6).
Genome position (GRCh38, 1-based): chr7:44,065,222, G>A on the plus strand (C>T on the coding strand, the complement: PGAM2 is on the minus strand). VCF-style: chr7-44065222-G-A. GRCh37 (hg19) VCF-style: chr7-44104821-G-A.
Other names: c.*4306G>A (NM_001014436.3, NM_001122956.2, NM_001284313.2 and 3 more transcripts); short protein forms T103M.
Identifiers: ClinVar variation 1313676 (VCV001313676.3), dbSNP rs1443019260, ClinGen allele CA367368804.